The following is an entry in ClinVar:

NM_000051.4(ATM):c.8707_8709del (p.Pro2903del)

Genes: ATM (ATM serine/threonine kinase; plus strand), C11orf65 (chromosome 11 open reading frame 65; minus strand). Cytogenetic location: 11q22.3.
Variant type: Deletion.
Coding change: c.8707_8709del on transcript NM_000051.4 (MANE Select); coding-DNA positions 8707 to 8709, 3 bases deleted (CCT; older notation c.8707_8709delCCT).
Protein change: p.Pro2903del; deletes proline 2903.
Molecular consequence: inframe deletion. On other transcripts: intron variant (2).
Genome position (GRCh38, 1-based): chr11:108,353,801-108,353,803, CCT deleted; deleting any 3 consecutive bases within chr11:108,353,799-108,353,803 gives the same sequence; the c. name uses the placement nearest the transcript's 3' end. VCF-style (leftmost placement, unchanged base first): chr11-108353798-ACTC-A. GRCh37 (hg19) VCF-style: chr11-108224525-ACTC-A.
Other names: c.8707_8709del, p.Pro2903del (NM_001351834.2); c.640+32119_640+32121del (NM_001330368.2); c.695-18509_695-18507del (NM_001351110.2); short protein forms P2903del.
Identifiers: ClinVar variation 1996593 (VCV001996593.4), dbSNP rs2547515586, ClinGen allele CA2580083019.

ClinVar aggregate classification (germline): Uncertain significance (1 of 4 stars; one submission).

Conditions:
Ataxia-telangiectasia syndrome (AT). Also called: Ataxia-telangiectasia, complementation group D; AT, COMPLEMENTATION GROUP C; ATAXIA-TELANGIECTASIA, COMPLEMENTATION GROUP A; ATAXIA-TELANGIECTASIA, FRESNO VARIANT; Ataxia-telangiectasia, complementation group E; LOUIS-BAR SYNDROME. Identifiers: Orphanet 100, MedGen C0004135, MONDO:0008840, OMIM 208900.

Submission:

Labcorp Genetics (formerly Invitae), Labcorp
Classification: Uncertain significance for Ataxia-telangiectasia syndrome. Last evaluated: 2022-05-19. Review status: criteria provided, single submitter. Criteria: Invitae Variant Classification Sherloc (09022015). Collection method: clinical testing. Allele origin: germline.
Comment: In summary, the available evidence is currently insufficient to determine the role of this variant in disease. Therefore, it has been classified as a Variant of Uncertain Significance. Experimental studies and prediction algorithms are not available or were not evaluated, and the functional significance of this variant is currently unknown. This variant, c.8707_8709del, results in the deletion of 1 amino acid(s) of the ATM protein (p.Pro2903del), but otherwise preserves the integrity of the reading frame. This variant is not present in population databases (gnomAD no frequency). This variant has not been reported in the literature in individuals affected with ATM-related conditions.